The following is an entry in ClinVar:

NM_198578.4(LRRK2):c.3274T>A (p.Tyr1092Asn)

Gene: LRRK2 (leucine rich repeat kinase 2; plus strand). Cytogenetic location: 12q12.
Variant type: single nucleotide variant.
Coding change: c.3274T>A on transcript NM_198578.4 (MANE Select); coding-DNA position 3274, T replaced by A.
Protein change: p.Tyr1092Asn; replaces tyrosine 1092 with asparagine.
Molecular consequence: missense variant.
Genome position (GRCh38, 1-based): chr12:40,298,420, T>A. VCF-style: chr12-40298420-T-A. GRCh37 (hg19) VCF-style: chr12-40692222-T-A.
Other names: short protein forms Y1092N.
Identifiers: ClinVar variation 1729658 (VCV001729658.2), dbSNP rs1401048721, ClinGen allele CA384414945.
Genomic context (GRCh38, chr12:40,298,420, plus strand): 5'-CCCTCAGTGGTTTTAGATCCTACAGTGAAATGTCCAACTCTGAAACAGTTTAACCTGTCA[T>A]ATAACCAGCTGTCTTTTGTACCTGAGAACCTCACTGATGTGGTAGAGAAACTGGAGCAGC-3'
Protein context (NP_940980.4, residues 1082-1102): CPTLKQFNLS[Tyr1092Asn]NQLSFVPENL

ClinVar aggregate classification (germline): Uncertain significance (1 of 4 stars; one submission).

Conditions:
Inborn genetic diseases. Identifiers: MedGen C0950123, MeSH D030342.

Submission:

Ambry Genetics
Classification: Uncertain significance for Inborn genetic diseases. Last evaluated: 2021-09-01. Review status: criteria provided, single submitter. Criteria: Ambry Variant Classification Scheme 2023. Collection method: clinical testing. Allele origin: germline.
Comment: The p.Y1092N variant (also known as c.3274T>A), located in coding exon 24 of the LRRK2 gene, results from a T to A substitution at nucleotide position 3274. The tyrosine at codon 1092 is replaced by asparagine, an amino acid with dissimilar properties. This amino acid position is conserved. In addition, this alteration is predicted to be tolerated by in silico analysis. Since supporting evidence is limited at this time, the clinical significance of this alteration remains unclear.